The following is an entry in ClinVar:

NM_003998.4(NFKB1):c.259-1G>C

Gene: NFKB1 (nuclear factor kappa B subunit 1; plus strand). Cytogenetic location: 4q24.
Variant type: single nucleotide variant.
Coding change: c.259-1G>C on transcript NM_003998.4 (MANE Select); the canonical splice acceptor site of the intron before coding-DNA position 259, G replaced by C.
Molecular consequence: splice acceptor variant.
Genome position (GRCh38, 1-based): chr4:102,566,986, G>C. VCF-style: chr4-102566986-G-C. GRCh37 (hg19) VCF-style: chr4-103488143-G-C.
Other names: c.259-1G>C (NM_001382626.1, NM_001382625.1); c.256-1G>C (NM_001382627.1, NM_001165412.2, NM_001319226.2); c.217-1G>C (NM_001382628.1).
Identifiers: ClinVar variation 2633323 (VCV002633323.1), dbSNP rs2476350193, ClinGen allele CA357958692.

ClinVar aggregate classification (germline): Likely pathogenic (1 of 4 stars; one submission).

Conditions:
NFKB1-related disorder. Also called: NFKB1-related condition.

Submission:

PreventionGenetics, part of Exact Sciences
Classification: Likely pathogenic for NFKB1-related condition. Last evaluated: 2023-04-14. Review status: criteria provided, single submitter. Criteria: ACMG Guidelines, 2015. Collection method: clinical testing. Allele origin: germline.
Comment: The NFKB1 c.259-1G>C variant is predicted to disrupt the AG splice acceptor site and interfere with normal splicing. To our knowledge, this variant has not been reported in the literature or in a large population database, indicating this variant is rare. Variants that disrupt the consensus splice acceptor site in NFKB1 are expected to be pathogenic. Of note, other splicing variants impacting c.259 have been reported in individuals with common variable immunodeficiency (c.259-4A>G, Maffucci et al. 2016. PubMed ID: 27379089; c.259-2A>G, Supplemental Tables, Lorenzini et al. 2020. PubMed ID: 32278790). This variant is interpreted as likely pathogenic.